The following is an entry in ClinVar:

NM_006393.3(NEBL):c.2980G>A (p.Gly994Ser)

Gene: NEBL (nebulette; minus strand). Cytogenetic location: 10p12.31.
Variant type: single nucleotide variant.
Coding change: c.2980G>A on transcript NM_006393.3 (MANE Select); coding-DNA position 2980, G replaced by A.
Protein change: p.Gly994Ser; replaces glycine 994 with serine.
Molecular consequence: missense variant. On other transcripts: 3 prime UTR variant (1).
Genome position (GRCh38, 1-based): chr10:20,785,812, C>T on the plus strand (G>A on the coding strand, the complement: NEBL is on the minus strand). VCF-style: chr10-20785812-C-T. GRCh37 (hg19) VCF-style: chr10-21074741-C-T.
Other names: c.*71G>A (NM_001173484.2); c.841G>A, p.Gly281Ser (NM_001377322.1); c.700G>A, p.Gly234Ser (NM_001377323.1); c.691G>A, p.Gly231Ser (NM_001377324.1); c.682G>A, p.Gly228Ser (NM_001377325.1); c.640G>A, p.Gly214Ser (NM_001377326.1, NM_001377327.1, NM_001377328.1); c.748G>A, p.Gly250Ser (NM_213569.2); short protein forms G231S, G228S, G250S, G994S, G214S, G281S, G234S.
Identifiers: ClinVar variation 4841937 (VCV004841937.1).

ClinVar aggregate classification (germline): Uncertain significance (1 of 4 stars; one submission).

gnomAD v4.1: 1 of 1,614,020 alleles (0.000062%); highest among the groups gnomAD compares: Non-Finnish European, 0.000085%; no homozygotes.

Submission:

Ambry Genetics
Classification: Uncertain significance. Last evaluated: 2026-01-10. Review status: criteria provided, single submitter. Criteria: Ambry Variant Classification Scheme 2023. Collection method: clinical testing. Allele origin: germline.
Comment: The p.G994S variant (also known as c.2980G>A), located in coding exon 28 of the NEBL gene, results from a G to A substitution at nucleotide position 2980. The glycine at codon 994 is replaced by serine, an amino acid with similar properties. This amino acid position is conserved. In addition, this alteration is predicted to be deleterious by in silico analysis. Based on the available evidence, the clinical significance of this variant remains unclear.